The following is an entry in ClinVar:

ClinVar aggregate classification (germline): Uncertain significance (1 of 4 stars; one submission).

gnomAD v4.1: 2 of 1,612,628 alleles (0.00012%); highest among the groups gnomAD compares: Admixed American, 0.0017%; no homozygotes.

Submission:

GeneDx
Classification: Uncertain significance. Last evaluated: 2025-07-06. Review status: criteria provided, single submitter. Criteria: GeneDx Variant Classification Process June 2021. Collection method: clinical testing. Allele origin: germline. Affected: yes.
Comment: Not observed at significant frequency in large population cohorts (gnomAD); In silico analysis supports that this missense variant has a deleterious effect on protein structure/function; Has not been previously published as pathogenic or benign to our knowledge

NM_022124.6(CDH23):c.4676T>C (p.Ile1559Thr)

Gene: CDH23 (cadherin related 23; plus strand). Cytogenetic location: 10q22.1.
Variant type: single nucleotide variant.
Coding change: c.4676T>C on transcript NM_022124.6 (MANE Select); coding-DNA position 4676, T replaced by C.
Protein change: p.Ile1559Thr; replaces isoleucine 1559 with threonine.
Molecular consequence: missense variant.
Genome position (GRCh38, 1-based): chr10:71,741,752, T>C. VCF-style: chr10-71741752-T-C. GRCh37 (hg19) VCF-style: chr10-73501509-T-C.
Other names: short protein forms I1559T.
Identifiers: ClinVar variation 4685167 (VCV004685167.1).